The following is an entry in ClinVar:

NC_000001.10:g.(?_16451710)_(16532835_?)del

Genes: ARHGEF19 (Rho guanine nucleotide exchange factor 19; minus strand), EPHA2 (EPH receptor A2; minus strand). Cytogenetic location: 1p36.13.
Variant type: Deletion.
Identifiers: ClinVar variation 2425113 (VCV002425113.4).

ClinVar aggregate classification (germline): Pathogenic (1 of 4 stars; one submission).

Conditions:
Cataract 6 multiple types. Also called: CATARACT 6, POSTERIOR POLAR; CATARACT 6, CONGENITAL TOTAL; CATARACT, AGE-RELATED CORTICAL, 2. Identifiers: Orphanet 91492, MedGen C1861825, MONDO:0007288, OMIM 116600.

Submission:

Labcorp Genetics (formerly Invitae), Labcorp
Classification: Pathogenic for Cataract 6 multiple types. Last evaluated: 2022-06-28. Review status: criteria provided, single submitter. Criteria: Invitae Variant Classification Sherloc (09022015). Collection method: clinical testing. Allele origin: germline.
Comment: A gross deletion of the genomic region encompassing the full coding sequence of the EPHA2 gene has been identified. Loss-of-function variants in EPHA2 are known to be pathogenic (PMID: 19649315, 22167091, 25148791). The boundaries of this event are unknown as they extend beyond the assayed region for this gene and therefore may encompass additional genes. This variant has not been reported in the literature in individuals affected with EPHA2-related conditions. For these reasons, this variant has been classified as Pathogenic.

Literature cited by the submitters: PubMed 19649315; PubMed 22167091; PubMed 25148791.